The following is an entry in ClinVar:

NM_001127208.3(TET2):c.4210C>T (p.Arg1404Ter)

Genes: TET2 (tet methylcytosine dioxygenase 2; plus strand), TET2-AS1 (TET2 antisense RNA 1; minus strand). Cytogenetic location: 4q24.
Variant type: single nucleotide variant.
Coding change: c.4210C>T on transcript NM_001127208.3 (MANE Select); coding-DNA position 4210, C replaced by T.
Protein change: p.Arg1404Ter; replaces arginine 1404 with a stop codon.
Molecular consequence: nonsense.
Genome position (GRCh38, 1-based): chr4:105,272,591, C>T. VCF-style: chr4-105272591-C-T. GRCh37 (hg19) VCF-style: chr4-106193748-C-T.
Other names: short protein forms R1404*.
Identifiers: ClinVar variation 2190715 (VCV002190715.4), dbSNP rs974106601, ClinGen allele CA102778345.

ClinVar aggregate classification (germline): Pathogenic (1 of 4 stars; one submission).

Submission:

Labcorp Genetics (formerly Invitae), Labcorp
Classification: Pathogenic. Last evaluated: 2025-12-02. Review status: criteria provided, single submitter. Criteria: Invitae Variant Classification Sherloc (09022015). Collection method: clinical testing. Allele origin: germline.
Comment: This sequence change creates a premature translational stop signal (p.Arg1404*) in the TET2 gene. It is expected to result in an absent or disrupted protein product. Loss-of-function variants in TET2 are known to be pathogenic (PMID: 36066697). The frequency data for this variant in the population databases is considered unreliable, as metrics indicate poor data quality at this position in the gnomAD database. This variant has not been reported in the literature in individuals affected with TET2-related conditions. ClinVar contains an entry for this variant (Variation ID: 2190715). For these reasons, this variant has been classified as Pathogenic.

Literature cited by the submitters: PubMed 36066697.